The following is an entry in ClinVar:

ClinVar aggregate classification (germline): Uncertain significance (1 of 4 stars; one submission).

Allele frequency attached by ClinVar (database versions not stated): gnomAD 0.00003; gnomAD exomes 0.00003 and 0.00004; TOPMed 0.00003; ExAC 0.00005; 1000 Genomes Project 0.00020; 1000 Genomes Project 30x 0.00031.
gnomAD v4.1: 67 of 1,595,192 alleles (0.0042%); highest among the groups gnomAD compares: Non-Finnish European, 0.0055%; no homozygotes.

Submission:

Labcorp Genetics (formerly Invitae), Labcorp
Classification: Uncertain significance. Last evaluated: 2025-05-12. Review status: criteria provided, single submitter. Criteria: Invitae Variant Classification Sherloc (09022015). Collection method: clinical testing. Allele origin: germline.
Comment: This sequence change replaces serine, which is neutral and polar, with leucine, which is neutral and non-polar, at codon 186 of the IARS2 protein (p.Ser186Leu). This variant is present in population databases (rs561155210, gnomAD 0.007%). This variant has not been reported in the literature in individuals affected with IARS2-related conditions. ClinVar contains an entry for this variant (Variation ID: 1412208). An algorithm developed to predict the effect of missense changes on protein structure and function (PolyPhen-2) suggests that this variant is likely to be tolerated. In summary, the available evidence is currently insufficient to determine the role of this variant in disease. Therefore, it has been classified as a Variant of Uncertain Significance.

NM_018060.4(IARS2):c.557C>T (p.Ser186Leu)

Gene: IARS2 (isoleucyl-tRNA synthetase 2, mitochondrial; plus strand). Cytogenetic location: 1q41.
Variant type: single nucleotide variant.
Coding change: c.557C>T on transcript NM_018060.4 (MANE Select); coding-DNA position 557, C replaced by T.
Protein change: p.Ser186Leu; replaces serine 186 with leucine.
Molecular consequence: missense variant.
Genome position (GRCh38, 1-based): chr1:220,102,135, C>T. VCF-style: chr1-220102135-C-T. GRCh37 (hg19) VCF-style: chr1-220275477-C-T.
Other names: short protein forms S186L.
Identifiers: ClinVar variation 1412208 (VCV001412208.4), dbSNP rs561155210, ClinGen allele CA1401154.